The following is an entry in ClinVar:

NM_000138.5(FBN1):c.8326C>T (p.Arg2776Ter)

Gene: FBN1 (fibrillin 1; minus strand). Cytogenetic location: 15q21.1.
Variant type: single nucleotide variant.
Coding change: c.8326C>T on transcript NM_000138.5 (MANE Select); coding-DNA position 8326, C replaced by T.
Protein change: p.Arg2776Ter; replaces arginine 2776 with a stop codon.
Molecular consequence: nonsense.
Genome position (GRCh38, 1-based): chr15:48,411,280, G>A on the plus strand (C>T on the coding strand, the complement: FBN1 is on the minus strand). VCF-style: chr15-48411280-G-A. GRCh37 (hg19) VCF-style: chr15-48703477-G-A.
Other names: p.R2776X:CGA>TGA; NM_000138.5(FBN1):c.8326C>T; p.Arg2776Ter; short protein forms R2776*.
Identifiers: ClinVar variation 16439 (VCV000016439.48), dbSNP rs137854466, ClinGen allele CA017692.

ClinVar aggregate classification (germline): Pathogenic. Review status: reviewed by expert panel (3 of 4 stars). 16 submissions from 16 submitters: Pathogenic (1). 15 of the submissions do not count toward it. Last evaluated 2024-08-22.

Conditions:
Isolated thoracic aortic aneurysm.
Familial thoracic aortic aneurysm and aortic dissection (TAAD). Also called: Thoracic aortic aneurysms and dissections. Identifiers: Orphanet 91387, MedGen C4707243, MONDO:0019625.
Marfan syndrome (MFS). Also called: MARFAN SYNDROME, TYPE I; Marfan syndrome type 1; Marfan's syndrome; Marfan syndrome, classic; FBN1-Related Marfan Syndrome. Identifiers: Orphanet 284963, Orphanet 558, MedGen C0024796, MONDO:0007947, OMIM 154700.
FBN1-related disorder. Also called: FBN1-related disorders.

Allele frequency attached by ClinVar (database versions not stated): gnomAD 0.00001; 1000 Genomes Project 30x 0.00016.
gnomAD v4.1: 19 of 1,613,900 alleles (0.0012%); no homozygotes.

Submissions (16):

ClinGen FBN1 Variant Curation Expert Panel, ClinGen
Classification: Pathogenic for Marfan syndrome. Last evaluated: 2024-08-22. Review status: reviewed by expert panel. Criteria: Assertion Criteria VCEP FBN1 Version 1. Collection method: curation. Allele origin: germline. Inheritance: Autosomal dominant inheritance.
Comment: The NM_00138 c.8326C>T, is a nonsense variant in FBN1 that occurs in the last exon of the gene and is not expected to undergo nonsense-mediated decay but is expected to disrupt the last 96 amino acids of the protein. Premature terminations in the C-terminus are considered to be deleterious (PVS1_Strong; PMID 24982166, 12161601, 7911051, 21034599). In an in-vitro microfibril assay, this variant was reported to result in intracellular retention of the protein (PMID 24982166; PS3). This variant has been reported 10 times in ClinVar, nine as pathogenic and once as likely pathogenic (Variation ID: 16439). Several other probands with a clinical diagnosis of Marfan syndrome and/or clinical features of Marfan syndrome carry the same variant (internal lab data, PMID 9338581, 31098894, 31730815, 33059708, 25907466, 19293843, 34916231; PS4). In one individual with aortic dissection and myopia, this variant was reported to be de novo without confirmation of parental relationships (PMID 31098894; 0.25 points). In two families with MFS, this variant was found to segregate with disease in five affected family members (internal lab data; PP1_Strong). This variant is present in in 10/24982 (0.04%) of alleles tested from the Finnish population in gnomAD and did not pass the quality control criteria in the genome subset (PM2_Sup; v2.1.1). In summary, this variant meets criteria to be classified as pathogenic for Marfan syndrome based on the ACMG/AMP criteria applied, as specified by the ClinGen FBN1 VCEP: PVS1_Strong, PS4, PS3, PP1_Strong, PM2_Sup, PP4

Institute of Human Genetics, Heidelberg University
Classification: Pathogenic for Marfan syndrome. Last evaluated: 2026-04-16. Review status: criteria provided, single submitter. Criteria: ACMG Guidelines, 2015. Collection method: clinical testing. Allele origin: unknown. Affected: yes. Observed: 1 variant allele. Not counted in ClinVar's aggregate classification.
Comment: PVS1_STR, PS3, PS4, PP1_STR, PM2_SUP, PP4

CeGaT Center for Human Genetics Tuebingen
Classification: Pathogenic. Last evaluated: 2026-01-01. Review status: criteria provided, single submitter. Criteria: CeGaT Center For Human Genetics Tuebingen Variant Classification Criteria Version 2. Collection method: clinical testing. Allele origin: germline. Affected: yes. Observed: 1 variant allele. Not counted in ClinVar's aggregate classification.
Comment: FBN1: PS4, PVS1:Strong, PM6, PM2:Supporting

Genomic Medicine Center of Excellence, King Faisal Specialist Hospital and Research Centre
Classification: Pathogenic for Marfan syndrome. Last evaluated: 2025-09-10. Review status: criteria provided, single submitter. Criteria: ACMG Guidelines, 2015. Collection method: clinical testing. Allele origin: germline. Not counted in ClinVar's aggregate classification.

Labcorp Genetics (formerly Invitae), Labcorp
Classification: Pathogenic for Marfan syndrome; Familial thoracic aortic aneurysm and aortic dissection. Last evaluated: 2022-10-26. Review status: criteria provided, single submitter. Criteria: Invitae Variant Classification Sherloc (09022015). Collection method: clinical testing. Allele origin: germline. Not counted in ClinVar's aggregate classification.
Comment: This sequence change creates a premature translational stop signal (p.Arg2776*) in the FBN1 gene. While this is not anticipated to result in nonsense mediated decay, it is expected to disrupt the last 96 amino acid(s) of the FBN1 protein. The frequency data for this variant in the population databases is considered unreliable, as metrics indicate poor data quality at this position in the gnomAD database. This premature translational stop signal has been observed in individual(s) with FBN-1 related conditions (PMID: 7911051, 9338581, 11826022). ClinVar contains an entry for this variant (Variation ID: 16439). This variant disrupts a region of the FBN1 protein in which other variant(s) (p.Leu2854Profs*9, p.Gln2830*, p.Leu2854Profs*9) have been determined to be pathogenic (Invitae). This suggests that this is a clinically significant region of the protein, and that variants that disrupt it are likely to be disease-causing. For these reasons, this variant has been classified as Pathogenic.

GeneDx
Classification: Pathogenic. Last evaluated: 2022-07-12. Review status: criteria provided, single submitter. Criteria: GeneDx Variant Classification Process June 2021. Collection method: clinical testing. Allele origin: germline. Affected: yes. Not counted in ClinVar's aggregate classification.
Comment: Functional studies suggest that the variant results in intra-cellular retention of the protein (Jensen et al., 2014); Nonsense variant in the C-terminus predicted to result in protein truncation, as the last 96 amino acid residues are lost, and other loss-of-function variants have been reported downstream in the Human Gene Mutation Database and published literature (HGMD; Lonnqvist et al., 1998; Ritty et al., 1999; Jensen et al., 2014); This variant is associated with the following publications: (PMID: 9817919, 10085138, 11826022, 24982166, 7911051, 10756346, 19293843, 33059708, 33824467, 31098894, 9338581, 31730815, 34008892)

Ambry Genetics
Classification: Pathogenic for Familial thoracic aortic aneurysm and aortic dissection. Last evaluated: 2022-01-03. Review status: criteria provided, single submitter. Criteria: Ambry Variant Classification Scheme 2023. Collection method: clinical testing. Allele origin: germline. Not counted in ClinVar's aggregate classification.
Comment: The p.R2776* pathogenic mutation (also known as c.8326C>T), located in coding exon 65 of the FBN1 gene, results from a C to T substitution at nucleotide position 8326. This changes the amino acid from an arginine to a stop codon within coding exon 65. This alteration occurs at the 3' terminus of theFBN1 gene, is not expected to trigger nonsense-mediated mRNA decay, and impacts the last 96 amino acids of the protein. However, premature stop codons are typically deleterious in nature and the impacted region is critical for protein function (Ambry internal data). This alteration, which is also known as p.R1878*, c.5632C>T, has been reported in multiple individuals with Marfan syndrome (Hayward C et al. Hum. Mutat., 1994;3:159-62; K&ouml;rkk&ouml; J et al. J. Med. Genet., 2002 Jan;39:34-41; Stheneur C et al. Eur J Hum Genet, 2009 Sep;17:1121-8; Jensen SA et al. Proc Natl Acad Sci U S A, 2014 Jul;111:10155-60; Proost D et al. Hum Mutat, 2015 Aug;36:808-14; Li J et al. Sci China Life Sci, 2019 Dec;62:1630-1637; Mannucci L et al. Clin Chim Acta, 2020 Feb;501:154-164; Stengl R et al. Orphanet J Rare Dis, 2020 10;15:290). Based on the supporting evidence, this alteration is interpreted as a disease-causing mutation.

Laboratory of Medical Genetics, National & Kapodistrian University of Athens
Classification: Pathogenic for Marfan syndrome. Last evaluated: 2021-08-10. Review status: criteria provided, single submitter. Criteria: ACMG Guidelines, 2015. Collection method: clinical testing. Allele origin: unknown. Affected: yes. Not counted in ClinVar's aggregate classification.
Comment: PVS1, PP3, PP5

Centre of Medical Genetics, University of Antwerp
Classification: Pathogenic for Marfan syndrome. Last evaluated: 2021-03-01. Review status: criteria provided, single submitter. Criteria: Submitter's publication. Collection method: research. Allele origin: unknown. Affected: yes. Observed: 4 variant alleles. Not counted in ClinVar's aggregate classification.
Comment: PS4, PS1, PP4 or PS4, PS1, PP1, PP4

Blueprint Genetics
Classification: Pathogenic for FBN1-related disorders. Last evaluated: 2020-06-09. Review status: criteria provided, single submitter. Criteria: ACMG Guidelines, 2015. Collection method: clinical testing. Allele origin: germline. Affected: yes. Observed: 3 variant alleles. Not counted in ClinVar's aggregate classification.

Petrovsky National Research Centre of Surgery, The Federal Agency for Scientific Organizations
Classification: Pathogenic for Marfan syndrome. Last evaluated: 2019-07-19. Review status: criteria provided, single submitter. Criteria: ACMG Guidelines, 2015. Collection method: clinical testing. Allele origin: unknown, paternal. Inheritance: Autosomal dominant inheritance. Affected: yes. Observed: 3 heterozygotes. Clinical features observed: Retinal detachment (HP:0000541), High palate (HP:0000218), Dental crowding (HP:0000678), Micrognathia (HP:0000347), Aortic dissection (HP:0002647), Arachnodactyly (HP:0001166), Flexion contracture (HP:0001371), Striae distensae (HP:0001065), Dolichostenomelia, Asymmetric face, Scoliosis, Abnormal dental morphology (HP:0006482), and 11 more. Not counted in ClinVar's aggregate classification.
Comment: At our clinical center The p.R2776* variant was found in one family and one unrelated individual. This variant present in variouas individual studies reported by other submitters (ClinVar entry - Variation ID:16439), as well as present in population studies (C=0.00001 (1/121406, ExAC)). Functional study of the variant (PMID: 24982166) shows its pathogenic mechanism by linkage of the immature monomers, thus it behaves as a dominant-negative mutation, disrupting not only the mutant protein, but the normal one, which is synthesized from the unchanged allele.

Department of Vascular Biology, Beijing Anzhen Hospital
Classification: Likely pathogenic for Isolated thoracic aortic aneurysm. Last evaluated: 2018-09-01. Review status: criteria provided, single submitter. Criteria: ACMG Guidelines, 2015. Collection method: research. Allele origin: germline. Affected: yes. Not counted in ClinVar's aggregate classification.

Eurofins Ntd Llc (ga)
Classification: Pathogenic. Last evaluated: 2016-03-01. Review status: criteria provided, single submitter. Criteria: EGL Classification Definitions 2015. Collection method: clinical testing. Allele origin: germline. Observed: 1 variant allele, 1 heterozygote. Not counted in ClinVar's aggregate classification.

Center for Medical Genetics Ghent, University of Ghent
Classification: Uncertain significance for Marfan syndrome. Last evaluated: 2017-11-07. Review status: no assertion criteria provided. Collection method: clinical testing. Allele origin: germline. Affected: yes. Not counted in ClinVar's aggregate classification.

Women's Health and Genetics/Laboratory Corporation of America, LabCorp
Classification: Pathogenic for Marfan's syndrome. Last evaluated: 2015-04-09. Review status: no assertion criteria provided. Collection method: clinical testing. Allele origin: germline. Not counted in ClinVar's aggregate classification.

OMIM
Classification: Pathogenic for MARFAN SYNDROME. Last evaluated: 1994-01-01. Review status: no assertion criteria provided. Collection method: literature only. Allele origin: germline. Not counted in ClinVar's aggregate classification.

Literature cited by the submitters: PubMed 24982166 (cited by ClinGen FBN1 Variant Curation Expert Panel, ClinGen and Ambry Genetics); PubMed 7911051 (cited by 3 submitters); PubMed 9338581 (cited by Labcorp Genetics (formerly Invitae), Labcorp); PubMed 11826022 (cited by Labcorp Genetics (formerly Invitae), Labcorp and Ambry Genetics); PubMed 19293843 (cited by Ambry Genetics); PubMed 25907466 (cited by Ambry Genetics); PubMed 31098894 (cited by Ambry Genetics); PubMed 31730815 (cited by Ambry Genetics); PubMed 33059708 (cited by Ambry Genetics); PubMed 34008892 (cited by Laboratory of Medical Genetics, National & Kapodistrian University of Athens).